The following is an entry in ClinVar:

ClinVar aggregate classification (germline): Uncertain significance. Review status: criteria provided, multiple submitters, no conflicts (2 of 4 stars). 2 submissions from 2 submitters: Uncertain significance (2). Last evaluated 2025-11-04.

Conditions:
Hereditary cancer-predisposing syndrome. Also called: Neoplastic Syndromes, Hereditary; Hereditary neoplastic syndrome; Tumor predisposition; Hereditary Cancer Syndrome. Identifiers: Orphanet 140162, MedGen C0027672, MeSH D009386, MONDO:0015356.
Oligodontia-cancer predisposition syndrome. Also called: TOOTH AGENESIS-COLORECTAL CANCER SYNDROME. Identifiers: Orphanet 300576, MedGen C1837750, MONDO:0012075, OMIM 608615. Disease mechanism: loss of function.

Allele frequency attached by ClinVar (database versions not stated): gnomAD exomes below 0.00001; ExAC 0.00001.
gnomAD v4.1: 1 of 1,614,214 alleles (0.000062%); highest among the groups gnomAD compares: Non-Finnish European, 0.000085%; no homozygotes.

Submissions (2):

Labcorp Genetics (formerly Invitae), Labcorp
Classification: Uncertain significance for Oligodontia-cancer predisposition syndrome. Last evaluated: 2025-11-04. Review status: criteria provided, single submitter. Criteria: Invitae Variant Classification Sherloc (09022015). Collection method: clinical testing. Allele origin: germline.
Comment: This sequence change replaces lysine, which is basic and polar, with glutamic acid, which is acidic and polar, at codon 162 of the AXIN2 protein (p.Lys162Glu). This variant is present in population databases (rs748004347, gnomAD 0.006%). This variant has not been reported in the literature in individuals affected with AXIN2-related conditions. ClinVar contains an entry for this variant (Variation ID: 2471566). Invitae Evidence Modeling of protein sequence and biophysical properties (such as structural, functional, and spatial information, amino acid conservation, physicochemical variation, residue mobility, and thermodynamic stability) has been performed for this missense variant. However, the output from this modeling did not meet the statistical confidence thresholds required to predict the impact of this variant on AXIN2 protein function. In summary, the available evidence is currently insufficient to determine the role of this variant in disease. Therefore, it has been classified as a Variant of Uncertain Significance.

Ambry Genetics
Classification: Uncertain significance for Hereditary cancer-predisposing syndrome. Last evaluated: 2023-03-09. Review status: criteria provided, single submitter. Criteria: Ambry Variant Classification Scheme 2023. Collection method: clinical testing. Allele origin: germline.
Comment: The p.K162E variant (also known as c.484A>G), located in coding exon 1 of the AXIN2 gene, results from an A to G substitution at nucleotide position 484. The lysine at codon 162 is replaced by glutamic acid, an amino acid with similar properties. This amino acid position is conserved. In addition, this alteration is predicted to be tolerated by in silico analysis. Since supporting evidence is limited at this time, the clinical significance of this alteration remains unclear.

NM_004655.4(AXIN2):c.484A>G (p.Lys162Glu)

Gene: AXIN2 (axin 2; minus strand). Cytogenetic location: 17q24.1.
Variant type: single nucleotide variant.
Coding change: c.484A>G on transcript NM_004655.4 (MANE Select); coding-DNA position 484, A replaced by G.
Protein change: p.Lys162Glu; replaces lysine 162 with glutamic acid.
Molecular consequence: missense variant.
Genome position (GRCh38, 1-based): chr17:65,558,137, T>C on the plus strand (A>G on the coding strand, the complement: AXIN2 is on the minus strand). VCF-style: chr17-65558137-T-C. GRCh37 (hg19) VCF-style: chr17-63554255-T-C.
Other names: c.484A>G, p.Lys162Glu (NM_001363813.1); short protein forms K162E.
Identifiers: ClinVar variation 2471566 (VCV002471566.5), dbSNP rs748004347, ClinGen allele CA8719041.